The following is an entry in ClinVar:

NM_004836.7(EIF2AK3):c.13A>G (p.Ile5Val)

Gene: EIF2AK3 (eukaryotic translation initiation factor 2 alpha kinase 3; minus strand). Cytogenetic location: 2p11.2.
Variant type: single nucleotide variant.
Coding change: c.13A>G on transcript NM_004836.7 (MANE Select); coding-DNA position 13, A replaced by G.
Protein change: p.Ile5Val; replaces isoleucine 5 with valine.
Molecular consequence: missense variant.
Genome position (GRCh38, 1-based): chr2:88,627,262, T>C on the plus strand (A>G on the coding strand, the complement: EIF2AK3 is on the minus strand). VCF-style: chr2-88627262-T-C. GRCh37 (hg19) VCF-style: chr2-88926780-T-C.
Other names: short protein forms I5V.
Identifiers: ClinVar variation 337421 (VCV000337421.13), dbSNP rs886056419, ClinGen allele CA10614598.

ClinVar aggregate classification (germline): Uncertain significance. Review status: criteria provided, multiple submitters, no conflicts (2 of 4 stars). 4 submissions from 4 submitters: Uncertain significance (4). Last evaluated 2025-10-01.

Conditions:
Wolcott-Rallison dysplasia. Also called: MED-IDDM SYNDROME; Wolcott-Rallison syndrome. Identifiers: Orphanet 1667, MedGen C0432217, MONDO:0009192, OMIM 226980.
Inborn genetic diseases. Identifiers: MedGen C0950123, MeSH D030342.

Allele frequency attached by ClinVar (database versions not stated): gnomAD exomes 0.00002 and 0.00007; TOPMed 0.00005; gnomAD 0.00008.
gnomAD v4.1: 101 of 1,487,278 alleles (0.0068%); highest among the groups gnomAD compares: Middle Eastern, 0.023%; no homozygotes.

Submissions (4):

Ambry Genetics
Classification: Uncertain significance for Inborn genetic diseases. Last evaluated: 2025-10-01. Review status: criteria provided, single submitter. Criteria: Ambry Variant Classification Scheme 2023. Collection method: clinical testing. Allele origin: germline.

Fulgent Genetics
Classification: Uncertain significance for Wolcott-Rallison dysplasia. Last evaluated: 2024-05-06. Review status: criteria provided, single submitter. Criteria: ACMG Guidelines, 2015. Collection method: clinical testing. Allele origin: germline.

Labcorp Genetics (formerly Invitae), Labcorp
Classification: Uncertain significance. Last evaluated: 2022-08-16. Review status: criteria provided, single submitter. Criteria: Invitae Variant Classification Sherloc (09022015). Collection method: clinical testing. Allele origin: germline.
Comment: This sequence change replaces isoleucine, which is neutral and non-polar, with valine, which is neutral and non-polar, at codon 5 of the EIF2AK3 protein (p.Ile5Val). This variant is present in population databases (no rsID available, gnomAD 0.006%). This variant has not been reported in the literature in individuals affected with EIF2AK3-related conditions. ClinVar contains an entry for this variant (Variation ID: 337421). Algorithms developed to predict the effect of missense changes on protein structure and function are either unavailable or do not agree on the potential impact of this missense change (SIFT: "Tolerated"; PolyPhen-2: "Not Available"; Align-GVGD: "Class C0"). In summary, the available evidence is currently insufficient to determine the role of this variant in disease. Therefore, it has been classified as a Variant of Uncertain Significance.

Illumina Laboratory Services, Illumina
Classification: Uncertain significance for Wolcott-Rallison dysplasia. Last evaluated: 2018-01-13. Review status: criteria provided, single submitter. Criteria: ICSL Variant Classification Criteria 13 December 2019. Collection method: clinical testing. Allele origin: germline.